The following is an entry in ClinVar:

ClinVar aggregate classification (germline): Uncertain significance (1 of 4 stars; one submission).

Allele frequency attached by ClinVar (database versions not stated): gnomAD 0.00001; gnomAD exomes 0.00001 and 0.00002; TOPMed 0.00001; ExAC 0.00002.

Submission:

Labcorp Genetics (formerly Invitae), Labcorp
Classification: Uncertain significance. Last evaluated: 2024-09-19. Review status: criteria provided, single submitter. Criteria: Invitae Variant Classification Sherloc (09022015). Collection method: clinical testing. Allele origin: germline.
Comment: This sequence change falls in intron 18 of the CARMIL2 gene. It does not directly change the encoded amino acid sequence of the CARMIL2 protein. It affects a nucleotide within the consensus splice site. This variant is present in population databases (rs776556027, gnomAD 0.004%). This variant has not been reported in the literature in individuals affected with CARMIL2-related conditions. ClinVar contains an entry for this variant (Variation ID: 1019291). Variants that disrupt the consensus splice site are a relatively common cause of aberrant splicing (PMID: 17576681, 9536098). Algorithms developed to predict the effect of sequence changes on RNA splicing suggest that this variant may disrupt the consensus splice site. In summary, the available evidence is currently insufficient to determine the role of this variant in disease. Therefore, it has been classified as a Variant of Uncertain Significance.

Literature cited by the submitters: PubMed 17576681; PubMed 9536098.

NM_001013838.3(CARMIL2):c.1688+2dup

Gene: CARMIL2 (capping protein regulator and myosin 1 linker 2; plus strand). Cytogenetic location: 16q22.1.
Variant type: Duplication.
Coding change: c.1688+2dup on transcript NM_001013838.3 (MANE Select); the canonical splice donor site of the intron after coding-DNA position 1688, one base duplicated (T; older notation c.1688+2dupT).
Molecular consequence: splice donor variant.
Genome position (GRCh38, 1-based): chr16:67,649,174, T duplicated. VCF-style (leftmost placement, unchanged base first): chr16-67649173-G-GT. GRCh37 (hg19) VCF-style: chr16-67683076-G-GT.
Other names: c.1580+2dup (NM_001317026.3).
Identifiers: ClinVar variation 1019291 (VCV001019291.6), dbSNP rs776556027, ClinGen allele CA8113530.